The following is an entry in ClinVar:

ClinVar aggregate classification (germline): Uncertain significance (1 of 4 stars; one submission).

Conditions:
Charcot-Marie-Tooth disease X-linked dominant 6. Also called: CHARCOT-MARIE-TOOTH NEUROPATHY, X-LINKED DOMINANT, 6. Identifiers: Orphanet 352675, MedGen C3806702, MONDO:0010479, OMIM 300905.

Submission:

Labcorp Genetics (formerly Invitae), Labcorp
Classification: Uncertain significance for Charcot-Marie-Tooth disease X-linked dominant 6. Last evaluated: 2019-05-23. Review status: criteria provided, single submitter. Criteria: Invitae Variant Classification Sherloc (09022015). Collection method: clinical testing. Allele origin: germline.
Comment: This sequence change creates a premature translational stop signal (p.Glu314*) in the PDK3 gene. It is expected to result in an absent or disrupted protein product. This variant is not present in population databases (ExAC no frequency). This variant has not been reported in the literature in individuals with PDK3-related conditions. The current clinical and genetic evidence is not sufficient to establish whether loss-of-function variants in PDK3 cause disease. In summary, the available evidence is currently insufficient to determine the role of this variant in disease. Therefore, it has been classified as a Variant of Uncertain Significance.

NM_005391.5(PDK3):c.940G>T (p.Glu314Ter)

Gene: PDK3 (pyruvate dehydrogenase kinase 3; plus strand). Cytogenetic location: Xp22.11.
Variant type: single nucleotide variant.
Coding change: c.940G>T on transcript NM_005391.5 (MANE Select); coding-DNA position 940, G replaced by T.
Protein change: p.Glu314Ter; replaces glutamic acid 314 with a stop codon.
Molecular consequence: nonsense.
Genome position (GRCh38, 1-based): chrX:24,528,163, G>T. VCF-style: chrX-24528163-G-T. GRCh37 (hg19) VCF-style: chrX-24546280-G-T.
Other names: c.940G>T, p.Glu314Ter (NM_001142386.3); short protein forms E314*.
Identifiers: ClinVar variation 948133 (VCV000948133.7), dbSNP rs1922567942, ClinGen allele CA412603025.